The following is an entry in ClinVar:

ClinVar aggregate classification (germline): Uncertain significance (1 of 4 stars; one submission).

Submission:

Women's Health and Genetics/Laboratory Corporation of America, LabCorp
Classification: Uncertain significance. Last evaluated: 2024-08-08. Review status: criteria provided, single submitter. Criteria: LabCorp Variant Classification Summary - May 2015. Collection method: clinical testing. Allele origin: germline.
Comment: Variant summary: The variant involves the duplication of exons 2-9 in the ABAT gene. A presumed nomenclature of c.(-42+1_-41-1)_(603+1_604-1)dup has been designated for the purposes of this classification. The exact breakpoint at the 5' end of this variant is unknown, therefore this duplication may extend upstream of the annotated region of this gene. It is predicted to duplicate a segment including the initiation codon, therefore its impact on the encoded protein is unknown. Exon 2-9 duplication was absent in 21694 control chromosomes in the gnomAD database (Structural Variants v2.1 dataset). The available data on variant occurrences in the general population are insufficient to allow any conclusion about variant significance. To our knowledge, no occurrence of c.(-42+1_-41-1)_(603+1_604-1)dup in individuals affected with Gamma-Aminobutyric Acid Transaminase Deficiency and no experimental evidence demonstrating its impact on protein function have been reported. No submitters have cited clinical-significance assessments for this variant to ClinVar. Based on the evidence outlined above, the variant was classified as uncertain significance.

NC_000016.9:g.(8768569_8829555)_(8860128_8862049)dup

Gene: ABAT (4-aminobutyrate aminotransferase; plus strand). Cytogenetic location: 16p13.2.
Variant type: Duplication.
Identifiers: ClinVar variation 3366397 (VCV003366397.1).